The following is an entry in ClinVar:

NM_025243.4(SLC19A3):c.148G>T (p.Glu50Ter)

Gene: SLC19A3 (solute carrier family 19 member 3; minus strand). Cytogenetic location: 2q36.3.
Variant type: single nucleotide variant.
Coding change: c.148G>T on transcript NM_025243.4 (MANE Select); coding-DNA position 148, G replaced by T.
Protein change: p.Glu50Ter; replaces glutamic acid 50 with a stop codon.
Molecular consequence: nonsense.
Genome position (GRCh38, 1-based): chr2:227,702,171, C>A on the plus strand (G>T on the coding strand, the complement: SLC19A3 is on the minus strand). VCF-style: chr2-227702171-C-A. GRCh37 (hg19) VCF-style: chr2-228566887-C-A.
Other names: short protein forms E50*.
Identifiers: ClinVar variation 430319 (VCV000430319.2), dbSNP rs1131691902, ClinGen allele CA350877842.
Genomic context (GRCh38, chr2:227,702,171, plus strand): 5'-GTTCAAGTCCCATAAAATTTAAAAAACCACATTAAGATATGTATGTATGTTAACTTACCT[C>A]TGCACTGGTCAGGTTTTTATCTGGTCCAGATAAATATGGGATAAGGAATGGTTCTGAGGG-3'

ClinVar aggregate classification (germline): Likely pathogenic (1 of 4 stars; one submission).

gnomAD v4.1: 2 of 1,613,104 alleles (0.00012%); highest among the groups gnomAD compares: Non-Finnish European, 0.00017%; no homozygotes.

Submission:

GeneDx
Classification: Likely pathogenic. Last evaluated: 2016-02-26. Review status: criteria provided, single submitter. Criteria: GeneDx Variant Classification (06012015). Collection method: clinical testing. Allele origin: germline. Affected: yes.
Comment: The E50X nonsense variant in the SLC19A3 gene is predicted to cause loss of normal protein function either through protein truncation or nonsense-mediated mRNA decay. Although this variant has not been reported previously to our knowledge, we interpret it to be a likely pathogenic variant.